The following is an entry in ClinVar:

ClinVar aggregate classification (germline): Pathogenic (1 of 4 stars; one submission).

Conditions:
Familial cancer of breast. Also called: BREAST CANCER, FAMILIAL; Hereditary breast cancer; hereditary breast carcinoma. Identifiers: Orphanet 227535, MedGen C0346153, MONDO:0016419, OMIM 114480. Disease mechanism: loss of function.

Submission:

Clinical Genetics Laboratory, Skane University Hospital Lund
Classification: Pathogenic for Familial cancer of breast. Last evaluated: 2026-11-12. Review status: criteria provided, single submitter. Criteria: ACMG Guidelines, 2015. Collection method: clinical testing. Allele origin: germline. Affected: yes. Observed: 1 variant allele.
Comment: ATM (NM_000051.4) c.4285del, p.(Thr1429Glnfs*22) involves a 1-base pair deletion in exon 29 (out of 63), which leads to a frameshift and a premature stop codon, resulting in a truncated protein or a loss of protein expression from the allele. ATM c.4285del has not been observed in the general population and has not been previously described in ClinVar. The variant has been classified as pathogenic based on the following gene-specific criteria according to the ClinGen Hereditary Breast, Ovarian and Pancreatic Cancer Expert Panel Specifications to the ACMG/AMP Variant Interpretation Guidelines for ATM, Version 1.6: PVS1, PM2_Supporting, and PM5_Supporting.

NM_000051.4(ATM):c.4285del (p.Thr1429fs)

Gene: ATM (ATM serine/threonine kinase; plus strand). Cytogenetic location: 11q22.3.
Variant type: Deletion.
Coding change: c.4285del on transcript NM_000051.4 (MANE Select); coding-DNA position 4285, one base deleted (A; older notation c.4285delA).
Protein change: p.Thr1429fs; shifts the reading frame from threonine 1429.
Molecular consequence: frameshift variant.
Genome position (GRCh38, 1-based): chr11:108,289,650, A deleted; the last of 3 consecutive A bases (chr11:108,289,648-108,289,650); deleting any one gives the same sequence. VCF-style (leftmost placement, unchanged base first): chr11-108289647-GA-G. GRCh37 (hg19) VCF-style: chr11-108160374-GA-G.
Other names: c.4285del, p.Thr1429fs (NM_001351834.2); short protein forms T1429fs.
Identifiers: ClinVar variation 5042713 (VCV005042713.1).